The following is an entry in ClinVar:

NM_001083961.2(WDR62):c.883-166G>A

Gene: WDR62 (WD repeat domain 62; plus strand). Cytogenetic location: 19q13.12.
Variant type: single nucleotide variant.
Coding change: c.883-166G>A on transcript NM_001083961.2 (MANE Select); 166 bases into the intron before coding-DNA position 883, G replaced by A.
Molecular consequence: intron variant.
Genome position (GRCh38, 1-based): chr19:36,071,390, G>A. VCF-style: chr19-36071390-G-A. GRCh37 (hg19) VCF-style: chr19-36562292-G-A.
Other names: c.883-166G>A (NM_173636.5).
Identifiers: ClinVar variation 670277 (VCV000670277.1), dbSNP rs4806260, ClinGen allele CA307850172.

ClinVar aggregate classification (germline): Benign (1 of 4 stars; one submission).

Allele frequency attached by ClinVar (database versions not stated): TOPMed 0.99009; gnomAD 0.99013 and 0.99046; 1000 Genomes Project 30x 0.99360; 1000 Genomes Project 0.99461.
gnomAD v4.1: 150,785 of 152,278 alleles (99%); highest among the groups gnomAD compares: Middle Eastern, 100%; 74,663 homozygotes.

Submission:

GeneDx
Classification: Benign. Last evaluated: 2018-06-19. Review status: criteria provided, single submitter. Criteria: GeneDx Variant Classification (06012015). Collection method: clinical testing. Allele origin: germline. Affected: yes.
Comment: This variant is considered likely benign or benign based on one or more of the following criteria: it is a conservative change, it occurs at a poorly conserved position in the protein, it is predicted to be benign by multiple in silico algorithms, and/or has population frequency not consistent with disease.